The following is an entry in ClinVar:

ClinVar aggregate classification (germline): Uncertain significance (1 of 4 stars; one submission).

gnomAD v4.1: 11 of 1,609,492 alleles (0.00068%); highest among the groups gnomAD compares: South Asian, 0.011%; no homozygotes.

Submission:

Labcorp Genetics (formerly Invitae), Labcorp
Classification: Uncertain significance. Last evaluated: 2021-09-01. Review status: criteria provided, single submitter. Criteria: Invitae Variant Classification Sherloc (09022015). Collection method: clinical testing. Allele origin: germline.
Comment: This sequence change replaces valine with leucine at codon 408 of the MYO7A protein (p.Val408Leu). The valine residue is highly conserved and there is a small physicochemical difference between valine and leucine. This variant is not present in population databases (ExAC no frequency). This variant has not been reported in the literature in individuals affected with MYO7A-related conditions. Advanced modeling of protein sequence and biophysical properties (such as structural, functional, and spatial information, amino acid conservation, physicochemical variation, residue mobility, and thermodynamic stability) performed at Invitae indicates that this missense variant is not expected to disrupt MYO7A protein function. In summary, the available evidence is currently insufficient to determine the role of this variant in disease. Therefore, it has been classified as a Variant of Uncertain Significance.

NM_000260.4(MYO7A):c.1222G>C (p.Val408Leu)

Gene: MYO7A (myosin VIIA; plus strand). Cytogenetic location: 11q13.5.
Variant type: single nucleotide variant.
Coding change: c.1222G>C on transcript NM_000260.4 (MANE Select); coding-DNA position 1222, G replaced by C.
Protein change: p.Val408Leu; replaces valine 408 with leucine.
Molecular consequence: missense variant.
Genome position (GRCh38, 1-based): chr11:77,160,994, G>C. VCF-style: chr11-77160994-G-C. GRCh37 (hg19) VCF-style: chr11-76872040-G-C.
Other names: c.1222G>C, p.Val408Leu (NM_001127180.2); c.1189G>C, p.Val397Leu (NM_001369365.1); short protein forms V397L, V408L.
Identifiers: ClinVar variation 1990144 (VCV001990144.1), dbSNP rs782797465, ClinGen allele CA381934861.
Genomic context (GRCh38, chr11:77,160,994, plus strand): 5'-GGGTGTGGCTGGTGCCAGTGGCTGATCACTGCCTTTCAGGGGATCTACGGGCGGCTGTTC[G>C]TGTGGATTGTGGACAAGATCAACGCAGCAATTTACAAGCCTCCCTCCCAGGATGTGAAGA-3'
Protein context (NP_000251.3, residues 398-418): FVKGIYGRLF[Val408Leu]WIVDKINAAI